The following is an entry in ClinVar:

ClinVar aggregate classification (germline): Pathogenic (1 of 4 stars; one submission).

Conditions:
Familial cancer of breast. Also called: hereditary breast carcinoma; Hereditary breast cancer; BREAST CANCER, FAMILIAL. Identifiers: Orphanet 227535, MedGen C0346153, MONDO:0016419, OMIM 114480. Disease mechanism: loss of function.

Submission:

Labcorp Genetics (formerly Invitae), Labcorp
Classification: Pathogenic for Familial cancer of breast. Last evaluated: 2023-06-09. Review status: criteria provided, single submitter. Criteria: Invitae Variant Classification Sherloc (09022015). Collection method: clinical testing. Allele origin: germline.
Comment: This sequence change creates a premature translational stop signal (p.Asp203Ilefs*2) in the CHEK2 gene. It is expected to result in an absent or disrupted protein product. Loss-of-function variants in CHEK2 are known to be pathogenic (PMID: 21876083, 24713400). For these reasons, this variant has been classified as Pathogenic. Algorithms developed to predict the effect of sequence changes on RNA splicing suggest that this variant may create or strengthen a splice site. This variant has not been reported in the literature in individuals affected with CHEK2-related conditions. This variant is not present in population databases (gnomAD no frequency).

Literature cited by the submitters: PubMed 21876083; PubMed 24713400.

NM_007194.4(CHEK2):c.607del (p.Asp203fs)

Gene: CHEK2 (checkpoint kinase 2; minus strand). Cytogenetic location: 22q12.1.
Variant type: Deletion.
Coding change: c.607del on transcript NM_007194.4 (MANE Select); coding-DNA position 607, one base deleted (G; older notation c.607delG).
Protein change: p.Asp203fs; shifts the reading frame from aspartic acid 203.
Molecular consequence: frameshift variant. On other transcripts: 5 prime UTR variant (2), intron variant (1).
Genome position (GRCh38, 1-based): chr22:28,719,471, C deleted on the plus strand (G on the coding strand, the reverse complement: CHEK2 is on the minus strand). VCF-style (leftmost placement, unchanged base first): chr22-28719470-TC-T. GRCh37 (hg19) VCF-style: chr22-29115458-TC-T.
Other names: c.736del, p.Asp246fs (NM_001005735.3, NM_001438294.1); c.-57del (NM_001257387.3, NM_001437942.1); c.700del, p.Asp234fs (NM_001438293.1, NM_001438295.1); c.607del, p.Asp203fs (NM_145862.3); c.482+5415del (NM_001349956.3); short protein forms D203fs, D246fs, D234fs.
Identifiers: ClinVar variation 2699048 (VCV002699048.3), dbSNP rs2146007102, ClinGen allele CA2655953588.